The following is an entry in ClinVar:

ClinVar aggregate classification (germline): Uncertain significance. Review status: criteria provided, multiple submitters, no conflicts (2 of 4 stars). 2 submissions from 2 submitters: Uncertain significance (2). Last evaluated 2026-03-12.

Conditions:
Brugada syndrome. Also called: Sudden unexplained nocturnal death syndrome; Sudden unexpected nocturnal death syndrome; Sudden Unexplained Death Syndrome; Sudden Unexplained Nocturnal Death Syndrome (SUNDS). Identifiers: Orphanet 130, MedGen C1142166, MONDO:0015263.
Cardiovascular phenotype. Identifiers: MedGen CN230736.

Submissions (2):

Ambry Genetics
Classification: Uncertain significance for Cardiovascular phenotype. Last evaluated: 2026-03-12. Review status: criteria provided, single submitter. Criteria: Ambry Variant Classification Scheme 2023. Collection method: clinical testing. Allele origin: germline.
Comment: The p.L1104P variant (also known as c.3311T>C), located in coding exon 18 of the SCN10A gene, results from a T to C substitution at nucleotide position 3311. The leucine at codon 1104 is replaced by proline, an amino acid with similar properties. This amino acid position is conserved. In addition, the in silico prediction for this alteration is inconclusive. Based on the available evidence, the clinical significance of this variant remains unclear.

Labcorp Genetics (formerly Invitae), Labcorp
Classification: Uncertain significance for Brugada syndrome. Last evaluated: 2025-04-27. Review status: criteria provided, single submitter. Criteria: Invitae Variant Classification Sherloc (09022015). Collection method: clinical testing. Allele origin: germline.
Comment: This sequence change replaces leucine, which is neutral and non-polar, with proline, which is neutral and non-polar, at codon 1104 of the SCN10A protein (p.Leu1104Pro). This variant is not present in population databases (gnomAD no frequency). This variant has not been reported in the literature in individuals affected with SCN10A-related conditions. Invitae Evidence Modeling of protein sequence and biophysical properties (such as structural, functional, and spatial information, amino acid conservation, physicochemical variation, residue mobility, and thermodynamic stability) indicates that this missense variant is not expected to disrupt SCN10A protein function with a negative predictive value of 95%. In summary, the available evidence is currently insufficient to determine the role of this variant in disease. Therefore, it has been classified as a Variant of Uncertain Significance.

NM_006514.4(SCN10A):c.3311T>C (p.Leu1104Pro)

Genes: SCN10A (sodium voltage-gated channel alpha subunit 10; minus strand), LOC110121288 (VISTA enhancer hs2268; plus strand). Cytogenetic location: 3p22.2.
Variant type: single nucleotide variant.
Coding change: c.3311T>C on transcript NM_006514.4 (MANE Select); coding-DNA position 3311, T replaced by C.
Protein change: p.Leu1104Pro; replaces leucine 1104 with proline.
Molecular consequence: missense variant.
Genome position (GRCh38, 1-based): chr3:38,723,471, A>G on the plus strand (T>C on the coding strand, the complement: SCN10A is on the minus strand). VCF-style: chr3-38723471-A-G. GRCh37 (hg19) VCF-style: chr3-38764962-A-G.
Other names: c.3311T>C (NM_006514.2); c.3308T>C, p.Leu1103Pro (NM_001293306.2); c.3017T>C, p.Leu1006Pro (NM_001293307.2); short protein forms L1006P, L1103P, L1104P.
Identifiers: ClinVar variation 4801649 (VCV004801649.2).